The following is an entry in ClinVar:

NM_001379500.1(COL18A1):c.107-12154C>T

Gene: COL18A1 (collagen type XVIII alpha 1 chain; plus strand). Cytogenetic location: 21q22.3.
Variant type: single nucleotide variant.
Coding change: c.107-12154C>T on transcript NM_001379500.1 (MANE Select); 12154 bases into the intron before coding-DNA position 107, C replaced by T.
Molecular consequence: intron variant. On other transcripts: synonymous variant (2).
Genome position (GRCh38, 1-based): chr21:45,456,088, C>T. VCF-style: chr21-45456088-C-T. GRCh37 (hg19) VCF-style: chr21-46876002-C-T.
Other names: c.558C>T, p.Gly186= (NM_030582.4, NM_130444.3); c.558C>T (NM_030582.3).
Identifiers: ClinVar variation 1500108 (VCV001500108.8), dbSNP rs760683399, ClinGen allele CA10065511.

ClinVar aggregate classification (germline): Likely benign. Review status: criteria provided, multiple submitters, no conflicts (2 of 4 stars). 3 submissions from 3 submitters: Likely benign (3). Last evaluated 2026-05-26.

Conditions:
COL18A1-related disorder. Also called: COL18A1-related condition; COL18A1-related disorders.

Allele frequency attached by ClinVar (database versions not stated): gnomAD exomes 0.00002; ExAC 0.00003.
gnomAD v4.1: 13 of 1,599,954 alleles (0.00081%); highest among the groups gnomAD compares: Non-Finnish European, 0.001%; no homozygotes.

Submissions (3):

PreventionGenetics, part of Exact Sciences
Classification: Likely benign for COL18A1-related condition. Last evaluated: 2026-05-26. Review status: criteria provided, single submitter. Criteria: ACMG Guidelines, 2015. Collection method: clinical testing. Allele origin: germline.
Comment: This variant is classified as likely benign based on ACMG/AMP sequence variant interpretation guidelines (Richards et al. 2015 PMID: 25741868, with internal and published modifications).

Labcorp Genetics (formerly Invitae), Labcorp
Classification: Likely benign. Last evaluated: 2025-11-27. Review status: criteria provided, single submitter. Criteria: Invitae Variant Classification Sherloc (09022015). Collection method: clinical testing. Allele origin: germline.

Blueprint Genetics
Classification: Likely benign. Last evaluated: 2024-08-27. Review status: criteria provided, single submitter. Criteria: ACMG Guidelines, 2015. Collection method: clinical testing. Allele origin: germline.